The following is an entry in ClinVar:

ClinVar aggregate classification (germline): Uncertain significance (1 of 4 stars; one submission).

Conditions:
MED12-related intellectual disability syndrome. Identifiers: MedGen CN305246, MONDO:0100000.

Submission:

Victorian Clinical Genetics Services, Murdoch Childrens Research Institute
Classification: Uncertain significance for MED12-related intellectual disability syndrome. Last evaluated: 2026-03-19. Review status: criteria provided, single submitter. Criteria: ACMG Guidelines, 2015. Collection method: clinical testing. Allele origin: germline. Affected: yes.
Comment: This variant is classified as VUS-3A. Evidence in support of pathogenic classification: Variant is absent from gnomAD (v2, v3 and v4); Missense variant in a region that is highly intolerant to missense variation (high constraint region in DECIPHER); Missense variant predicted to be damaging by in silico tool(s) or highly conserved with a major amino acid change. Additional information: Variant is predicted to result in a missense amino acid change from Gly to Arg; This variant is hemizygous; This gene is associated with X-linked disease; This variant has no previous evidence of pathogenicity; Segregation evidence for this variant is inconclusive. No published functional evidence has been identified for this variant; No comparable missense variants have previous evidence for pathogenicity; Loss of function is a known mechanism of disease in this gene and is associated with MED12-related intellectual disability syndrome (MONDO:0100000), and Hardikar syndrome (MIM#301068); Variants in this gene are known to have variable expressivity (OMIM, PMID: 32174975).

Literature cited by the submitters: PubMed 32174975.

NM_005120.3(MED12):c.4492G>A (p.Gly1498Arg)

Gene: MED12 (mediator complex subunit 12; plus strand). Cytogenetic location: Xq13.1.
Variant type: single nucleotide variant.
Coding change: c.4492G>A on transcript NM_005120.3 (MANE Select); coding-DNA position 4492, G replaced by A.
Protein change: p.Gly1498Arg; replaces glycine 1498 with arginine.
Molecular consequence: missense variant.
Genome position (GRCh38, 1-based): chrX:71,132,921, G>A. VCF-style: chrX-71132921-G-A. GRCh37 (hg19) VCF-style: chrX-70352771-G-A.
Other names: short protein forms G1498R.
Identifiers: ClinVar variation 1699217 (VCV001699217.5), dbSNP rs2147817009, ClinGen allele CA413528154.
Genomic context (GRCh38, chrX:71,132,921, plus strand): 5'-CAGCAGCCCTTCTTATCGCTGGTGCTAACATGTCTGAAAGGGCAGGATGAACAACGCGAG[G>A]GACTCCTTACCTCCCTCTACAGCCAGGTGCACCAGGTACAGATCTCTGGGCCATGGAGGT-3'
Protein context (NP_005111.2, residues 1488-1508): CLKGQDEQRE[Gly1498Arg]LLTSLYSQVH